The following is an entry in ClinVar:

NM_000222.3(KIT):c.756+3G>C

Gene: KIT (KIT proto-oncogene, receptor tyrosine kinase; plus strand). Cytogenetic location: 4q12.
Variant type: single nucleotide variant.
Coding change: c.756+3G>C on transcript NM_000222.3 (MANE Select); 3 bases into the intron after coding-DNA position 756, G replaced by C.
Molecular consequence: intron variant.
Genome position (GRCh38, 1-based): chr4:54,699,769, G>C. VCF-style: chr4-54699769-G-C. GRCh37 (hg19) VCF-style: chr4-55565935-G-C.
Other names: c.756+3G>C (NM_001385284.1, NM_001385290.1, NM_001385288.1 and 4 more transcripts).
Identifiers: ClinVar variation 957380 (VCV000957380.8), dbSNP rs534201005, ClinGen allele CA1139655839.

ClinVar aggregate classification (germline): Uncertain significance (1 of 4 stars; one submission).

Conditions:
Gastrointestinal stromal tumor. Also called: Gastrointestinal stromal tumor, somatic; Gastrointestinal stroma tumor. Identifiers: Orphanet 44890, MedGen C0238198, MeSH D046152, MONDO:0011719, OMIM 606764, HP:0100723.

Submission:

Labcorp Genetics (formerly Invitae), Labcorp
Classification: Uncertain significance for Gastrointestinal stromal tumor. Last evaluated: 2019-09-23. Review status: criteria provided, single submitter. Criteria: Invitae Variant Classification Sherloc (09022015). Collection method: clinical testing. Allele origin: germline.
Comment: In summary, the available evidence is currently insufficient to determine the role of this variant in disease. Therefore, it has been classified as a Variant of Uncertain Significance. Nucleotide substitutions within the consensus splice site are a relatively common cause of aberrant splicing (PMID: 17576681, 9536098). Algorithms developed to predict the effect of sequence changes on RNA splicing suggest that this variant may disrupt the consensus splice site, but this prediction has not been confirmed by published transcriptional studies. This variant has not been reported in the literature in individuals with KIT-related conditions. This variant is not present in population databases (ExAC no frequency). This sequence change falls in intron 4 of the KIT gene. It does not directly change the encoded amino acid sequence of the KIT protein, but it affects a nucleotide within the consensus splice site of the intron.

Literature cited by the submitters: PubMed 17576681; PubMed 9536098.